The following is an entry in ClinVar:

ClinVar aggregate classification (germline): Benign. Review status: criteria provided, multiple submitters, no conflicts (2 of 4 stars). 8 submissions from 8 submitters: Benign (8). Last evaluated 2026-01-21.

Conditions:
Autosomal dominant nonsyndromic hearing loss 2A. Also called: Autosomal dominant nonsyndromic deafness 2A; DFNA2 Nonsyndromic Hearing Loss; Deafness, autosomal dominant 2A. Identifiers: Orphanet 90635, MedGen C2677637, MONDO:0010817, OMIM 600101.

Allele frequency attached by ClinVar (database versions not stated): TOPMed 0.03206; gnomAD 0.03211 and 0.03273; ExAC 0.03489; gnomAD exomes 0.03509; ESP Exome Variant Server 0.03698; 1000 Genomes Project 0.02436; 1000 Genomes Project 30x 0.02452.

Submissions (8):

Labcorp Genetics (formerly Invitae), Labcorp
Classification: Benign. Last evaluated: 2026-01-21. Review status: criteria provided, single submitter. Criteria: Invitae Variant Classification Sherloc (09022015). Collection method: clinical testing. Allele origin: germline.

Genome-Nilou Lab
Classification: Benign for Autosomal dominant nonsyndromic hearing loss 2A. Last evaluated: 2021-05-18. Review status: criteria provided, single submitter. Criteria: ACMG Guidelines, 2015. Collection method: clinical testing. Allele origin: germline. Affected: no.

Mayo Clinic Laboratories, Mayo Clinic
Classification: Benign. Last evaluated: 2019-05-17. Review status: criteria provided, single submitter. Criteria: ACMG Guidelines, 2015. Collection method: clinical testing. Allele origin: germline. Observed: 11 variant alleles.

Athena Diagnostics
Classification: Benign. Last evaluated: 2018-11-05. Review status: criteria provided, single submitter. Criteria: Athena Diagnostics Criteria. Collection method: clinical testing. Allele origin: germline.

GeneDx
Classification: Benign. Last evaluated: 2017-06-01. Review status: criteria provided, single submitter. Criteria: GeneDx Variant Classification (06012015). Collection method: clinical testing. Allele origin: germline. Affected: yes.
Comment: This variant is considered likely benign or benign based on one or more of the following criteria: it is a conservative change, it occurs at a poorly conserved position in the protein, it is predicted to be benign by multiple in silico algorithms, and/or has population frequency not consistent with disease.

Laboratory for Molecular Medicine, Mass General Brigham Personalized Medicine
Classification: Benign. Last evaluated: 2012-05-07. Review status: criteria provided, single submitter. Criteria: LMM Criteria. Collection method: clinical testing. Allele origin: germline. Observed: 121 variant alleles.
Comment: "Leu553Leu in Exon 12 of KCNQ4: This variant is not expected to have clinical si gnificance because it does not alter an amino acid residue, is not located withi n the splice consensus sequence, and has been identified in 5.0% (350/7020) of E uropean American chromosomes from a broad population by the NHLBI Exome Sequenci ng Project (dbSNP rs55925184)."

Breakthrough Genomics
Classification: Benign. Review status: criteria provided, single submitter. Criteria: ACMG Guidelines, 2015. Collection method: not provided. Allele origin: germline. Inheritance: Autosomal dominant inheritance. Affected: yes.

PreventionGenetics, part of Exact Sciences
Classification: Benign. Review status: criteria provided, single submitter. Criteria: ACMG Guidelines, 2015. Collection method: clinical testing. Allele origin: germline.

Literature cited by the submitters: PubMed 10571947 (cited by Athena Diagnostics); PubMed 12112653 (cited by Athena Diagnostics).

NM_004700.4(KCNQ4):c.1657C>T (p.Leu553=)

Gene: KCNQ4 (potassium voltage-gated channel subfamily Q member 4; plus strand). Cytogenetic location: 1p34.2.
Variant type: single nucleotide variant.
Coding change: c.1657C>T on transcript NM_004700.4 (MANE Select); coding-DNA position 1657, C replaced by T.
Protein change: p.Leu553=; no amino-acid change (leucine 553 retained).
Molecular consequence: synonymous variant.
Genome position (GRCh38, 1-based): chr1:40,835,010, C>T. VCF-style: chr1-40835010-C-T. GRCh37 (hg19) VCF-style: chr1-41300682-C-T.
Other names: p.Leu553=; c.1495C>T, p.Leu499= (NM_172163.3).
Identifiers: ClinVar variation 45102 (VCV000045102.18), dbSNP rs55925184, ClinGen allele CA135530.